The following is an entry in ClinVar:

NM_022437.3(ABCG8):c.1320C>T (p.Ser440=)

Gene: ABCG8 (ATP binding cassette subfamily G member 8; plus strand). Cytogenetic location: 2p21.
Variant type: single nucleotide variant.
Coding change: c.1320C>T on transcript NM_022437.3 (MANE Select); coding-DNA position 1320, C replaced by T.
Protein change: p.Ser440=; no amino-acid change (serine 440 retained).
Molecular consequence: synonymous variant.
Genome position (GRCh38, 1-based): chr2:43,873,895, C>T. VCF-style: chr2-43873895-C-T. GRCh37 (hg19) VCF-style: chr2-44101034-C-T.
Other names: c.1317C>T, p.Ser439= (NM_001357321.2).
Identifiers: ClinVar variation 1769893 (VCV001769893.7), dbSNP rs745393819, ClinGen allele CA1637399.

ClinVar aggregate classification (germline): Likely benign. Review status: criteria provided, multiple submitters, no conflicts (2 of 4 stars). 4 submissions from 4 submitters: Likely benign (4). Last evaluated 2024-12-04.

Conditions:
Cardiovascular phenotype. Identifiers: MedGen CN230736.
ABCG8-related disorder. Also called: ABCG8-related condition.

Allele frequency attached by ClinVar (database versions not stated): ExAC 0.00001; gnomAD 0.00005; TOPMed 0.00006.
gnomAD v4.1: 13 of 1,614,028 alleles (0.00081%); highest among the groups gnomAD compares: African/African-American, 0.017%; no homozygotes.

Submissions (4):

PreventionGenetics, part of Exact Sciences
Classification: Likely benign for ABCG8-related condition. Last evaluated: 2024-12-04. Review status: criteria provided, single submitter. Criteria: ACMG Guidelines, 2015. Collection method: clinical testing. Allele origin: germline.
Comment: This variant is classified as likely benign based on ACMG/AMP sequence variant interpretation guidelines (Richards et al. 2015 PMID: 25741868, with internal and published modifications).

Labcorp Genetics (formerly Invitae), Labcorp
Classification: Likely benign. Last evaluated: 2024-11-11. Review status: criteria provided, single submitter. Criteria: Invitae Variant Classification Sherloc (09022015). Collection method: clinical testing. Allele origin: germline.

Women's Health and Genetics/Laboratory Corporation of America, LabCorp
Classification: Likely benign. Last evaluated: 2024-07-27. Review status: criteria provided, single submitter. Criteria: LabCorp Variant Classification Summary - May 2015. Collection method: clinical testing. Allele origin: germline.

Ambry Genetics
Classification: Likely benign for Cardiovascular phenotype. Last evaluated: 2022-02-17. Review status: criteria provided, single submitter. Criteria: Ambry Variant Classification Scheme 2023. Collection method: clinical testing. Allele origin: germline.